The following is an entry in ClinVar:

NM_001013838.3(CARMIL2):c.50C>G (p.Thr17Ser)

Gene: CARMIL2 (capping protein regulator and myosin 1 linker 2; plus strand). Cytogenetic location: 16q22.1.
Variant type: single nucleotide variant.
Coding change: c.50C>G on transcript NM_001013838.3 (MANE Select); coding-DNA position 50, C replaced by G.
Protein change: p.Thr17Ser; replaces threonine 17 with serine.
Molecular consequence: missense variant.
Genome position (GRCh38, 1-based): chr16:67,645,549, C>G. VCF-style: chr16-67645549-C-G. GRCh37 (hg19) VCF-style: chr16-67679452-C-G.
Other names: c.50C>G, p.Thr17Ser (NM_001317026.3, NM_001438244.1, NM_001438835.1); short protein forms T17S.
Identifiers: ClinVar variation 4696088 (VCV004696088.1).

ClinVar aggregate classification (germline): Uncertain significance (1 of 4 stars; one submission).

gnomAD v4.1: 4 of 1,604,274 alleles (0.00025%); highest among the groups gnomAD compares: East Asian, 0.0068%; no homozygotes.

Submission:

Labcorp Genetics (formerly Invitae), Labcorp
Classification: Uncertain significance. Last evaluated: 2025-12-17. Review status: criteria provided, single submitter. Criteria: Invitae Variant Classification Sherloc (09022015). Collection method: clinical testing. Allele origin: germline.
Comment: This sequence change replaces threonine, which is neutral and polar, with serine, which is neutral and polar, at codon 17 of the CARMIL2 protein (p.Thr17Ser). This variant is present in population databases (rs762181820, gnomAD 0.006%). This variant has not been reported in the literature in individuals affected with CARMIL2-related conditions. Invitae Evidence Modeling of protein sequence and biophysical properties (such as structural, functional, and spatial information, amino acid conservation, physicochemical variation, residue mobility, and thermodynamic stability) indicates that this missense variant is not expected to disrupt CARMIL2 protein function with a negative predictive value of 80%. In summary, the available evidence is currently insufficient to determine the role of this variant in disease. Therefore, it has been classified as a Variant of Uncertain Significance.